The following is an entry in ClinVar:

ClinVar aggregate classification (germline): Pathogenic (1 of 4 stars; one submission).

Conditions:
Hereditary breast ovarian cancer syndrome. Also called: Hereditary breast and ovarian cancer; Hereditary breast and ovarian cancer syndrome (HBOC); Breast and ovarian cancer; Hereditary breast and ovarian cancer syndrome; Hereditary breast and/or ovarian cancer syndrome; BRCA1- and BRCA2-Associated Hereditary Breast and Ovarian Cancer. Identifiers: Orphanet 145, MedGen C0677776, MeSH D061325, MONDO:0003582. Disease mechanism: loss of function.

Submission:

Labcorp Genetics (formerly Invitae), Labcorp
Classification: Pathogenic for Hereditary breast ovarian cancer syndrome. Last evaluated: 2018-01-11. Review status: criteria provided, single submitter. Criteria: Invitae Variant Classification Sherloc (09022015). Collection method: clinical testing. Allele origin: germline.
Comment: For these reasons, this variant has been classified as Pathogenic. Exon 3 contains two transcription-activating regions, and is required for BRCA2 phosphorylation (PMID: 9126734, 10980621). Loss-of-function variants in BRCA2 are known to be pathogenic. This particular variant is clearly defined as a breast and/or ovarian cancer causative allele and is a common cause of cancer in individuals of Portuguese ancestry (PMID: 17513806, 18363094, 20652400, 22829013). This sequence change is an Alu-mediated insertion in exon 3 of the BRCA2 mRNA (c.156_157insAlu). Experimental studies have shown that this insertion causes alternative splicing of BRCA2, leading to an in-frame skipping of exon 3 (PMID: 18363094, 16088935).

Literature cited by the submitters: PubMed 9126734; PubMed 10980621; PubMed 17513806; PubMed 18363094; PubMed 20652400; PubMed 22829013; PubMed 16088935.

NM_000059.4(BRCA2):c.156_157insGCCGGGCGCGGTGGCTCACGCCTGTAATCCCAGCACTTTGGGAGGCCGAGGCGGGCGGATCACGAGGTCAGGAG (p.Lys53delinsAlaGlyArgGlyGlySerArgLeuTer)

Gene: BRCA2 (BRCA2 DNA repair associated; plus strand). Cytogenetic location: 13q13.1.
Variant type: Insertion.
Coding change: c.156_157insGCCGGGCGCGGTGGCTCACGCCTGTAATCCCAGCACTTTGGGAGGCCGAGGCGGGCGGATCACGAGGTCAGGAG on transcript NM_000059.4 (MANE Select); coding-DNA positions 156 to 157, GCCGGGCGCGGTGGCTCACGCCTGTAATCCCAGCACTTTGGGAGGCCGAGGCGGGCGGATCACGAGGTCAGGAG inserted.
Protein change: p.Lys53delinsAlaGlyArgGlyGlySerArgLeuTer.
Molecular consequence: nonsense.
Genome position: GRCh38: chr13:32,319,165-32,319,166. GRCh37 (hg19): chr13:32,893,302-32,893,303.
Identifiers: ClinVar variation 1454723 (VCV001454723.8), dbSNP rs1593882502, ClinGen allele CA2573149285.